The following is an entry in ClinVar:

NM_001009944.3(PKD1):c.3665_3684delinsAGTACA (p.Ala1222fs)

Gene: PKD1 (polycystin 1, transient receptor potential channel interacting; minus strand). Cytogenetic location: 16p13.3.
Variant type: Indel.
Coding change: c.3665_3684delinsAGTACA on transcript NM_001009944.3 (MANE Select); coding-DNA positions 3665 to 3684, CCGTGGAGCAGGGCGCCCCC replaced by AGTACA.
Protein change: p.Ala1222fs; shifts the reading frame from alanine 1222.
Molecular consequence: frameshift variant.
Genome position (GRCh38, 1-based): chr16:2,111,483-2,111,502, GGGGGCGCCCTGCTCCACGG replaced by TGTACT on the plus strand (CCGTGGAGCAGGGCGCCCCC replaced by AGTACA on the coding strand, the reverse complement: PKD1 is on the minus strand). VCF-style: chr16-2111483-GGGGGCGCCCTGCTCCACGG-TGTACT. GRCh37 (hg19) VCF-style: chr16-2161484-GGGGGCGCCCTGCTCCACGG-TGTACT.
Other names: c.3665_3684delinsAGTACA, p.Ala1222fs (NM_000296.4); short protein forms A1222fs.
Identifiers: ClinVar variation 3381900 (VCV003381900.2).
Genomic context (GRCh38, chr16:2,111,483, plus strand): 5'-CCCCATGTCGAAGGTCCACGTGATGTTGTCGCCCGTCTGCACCGCGGCGCTGACCACCAC[GGGGGCGCCCTGCTCCACGG>TGTACT]CCAGGCTCATGTCCACGCTGAGTCCGCGGAGCTCCTCAAAGACGCGCACATCCGCCTGGG-3'

ClinVar aggregate classification (germline): Pathogenic (1 of 4 stars; one submission).

Conditions:
Polycystic kidney disease, adult type (PKD1). Also called: POLYCYSTIC KIDNEY DISEASE, ADULT, TYPE I; Polycystic Kidney Disease 1, Autosomal Dominant; Polycystic kidney disease 1; Polycystic kidney disease 1, severe; Polycystic Kidney, Autosomal Dominant; POLYCYSTIC KIDNEY DISEASE 1 WITH OR WITHOUT POLYCYSTIC LIVER DISEASE. Identifiers: MedGen C3149841, MONDO:0008263, OMIM 173900.

Submission:

Juno Genomics, Hangzhou Juno Genomics, Inc
Classification: Pathogenic for Polycystic kidney disease, adult type. Review status: criteria provided, single submitter. Criteria: ACMG Guidelines, 2015. Collection method: clinical testing. Allele origin: germline. Affected: yes.
Comment: Absent from controls (or at extremely low frequency if recessive) in Genome Aggregation Database, Exome Sequencing Project, 1000 Genomes Project, or Exome Aggregation Consortium.;Null variant in a gene where loss of function (LOF) is a known mechanism of disease.;Patient's phenotype or family history is highly specific for a disease with a single genetic etiology.